The following is an entry in ClinVar:

NM_017617.5(NOTCH1):c.1385A>G (p.Gln462Arg)

Gene: NOTCH1 (notch receptor 1; minus strand). Cytogenetic location: 9q34.3.
Variant type: single nucleotide variant.
Coding change: c.1385A>G on transcript NM_017617.5 (MANE Select); coding-DNA position 1385, A replaced by G.
Protein change: p.Gln462Arg; replaces glutamine 462 with arginine.
Molecular consequence: missense variant.
Genome position (GRCh38, 1-based): chr9:136,517,808, T>C on the plus strand (A>G on the coding strand, the complement: NOTCH1 is on the minus strand). VCF-style: chr9-136517808-T-C. GRCh37 (hg19) VCF-style: chr9-139412260-T-C.
Other names: short protein forms Q462R.
Identifiers: ClinVar variation 2421012 (VCV002421012.6), dbSNP rs2133368487, ClinGen allele CA375563002.

ClinVar aggregate classification (germline): Uncertain significance (1 of 4 stars; one submission).

Conditions:
Adams-Oliver syndrome 5 (AOS5). Identifiers: Orphanet 974, MedGen C4014970, MONDO:0014459, OMIM 616028.

Submission:

Labcorp Genetics (formerly Invitae), Labcorp
Classification: Uncertain significance for Adams-Oliver syndrome 5. Last evaluated: 2022-12-04. Review status: criteria provided, single submitter. Criteria: Invitae Variant Classification Sherloc (09022015). Collection method: clinical testing. Allele origin: germline.
Comment: In summary, the available evidence is currently insufficient to determine the role of this variant in disease. Therefore, it has been classified as a Variant of Uncertain Significance. This sequence change replaces glutamine, which is neutral and polar, with arginine, which is basic and polar, at codon 462 of the NOTCH1 protein (p.Gln462Arg). This variant is not present in population databases (gnomAD no frequency). This variant has not been reported in the literature in individuals affected with NOTCH1-related conditions. Advanced modeling of protein sequence and biophysical properties (such as structural, functional, and spatial information, amino acid conservation, physicochemical variation, residue mobility, and thermodynamic stability) performed at Invitae indicates that this missense variant is not expected to disrupt NOTCH1 protein function.